The following is an entry in ClinVar:

ClinVar aggregate classification (germline): Conflicting classifications of pathogenicity. Review status: criteria provided, conflicting classifications (1 of 4 stars). 2 submissions from 2 submitters: Pathogenic (1); Uncertain significance (1). Last evaluated 2018-04-25.

Conditions:
Long QT syndrome 2 (LQT2). Identifiers: Orphanet 101016, Orphanet 768, MedGen C3150943, MONDO:0013367, OMIM 613688.

Submissions (2):

MVZ Martinsried, Medicover Genetics
Classification: Uncertain significance for Long QT syndrome 2. Last evaluated: 2018-04-25. Review status: criteria provided, single submitter. Criteria: ACMG Guidelines, 2015. Collection method: clinical testing. Allele origin: unknown. Affected: yes.

GeneDx
Classification: Pathogenic. Last evaluated: 2014-09-23. Review status: criteria provided, single submitter. Criteria: GeneDx Variant Classification (06012015). Collection method: clinical testing. Allele origin: germline. Affected: yes.
Comment: p.Phe640Leu (TTC>CTC): c.1918 T>C in exon 7 of the KCNH2 gene (NM_000238.2). The F640L mutation in the KCNH2 gene has been reported in association with LQTS (Jongbloed et. al., 1999; Kapa et. al., 2009; Giudicessi et. al., 2012). Jongbloed et. The F640L mutation (also resulting from a different nucleotide substitution, c.1920 C>A) was subsequently reported as pathogenic in one individual referred for LQTS genetic testing and was absent from 2600 control alleles (Kapa et. al., 2009; Giudicessi et. al., 2012). The F640L mutation is located in the helical transmembrane domain at a residue that is highly conserved across species. Mutations in this same amino acid residue (F640V) and in nearby residues (K638E, K638N, S641F, I642M) have been reported in association with LQTS, further supporting the functional importance of this residue and this region of the protein. Furthermore, the F640L mutation was not observed in approximately 6,500 individuals of European and African American ancestry in the NHLBI Exome Sequencing Project, indicating it is not a common benign variant in these populations. In summary, F640L in the KCNH2 gene is interpreted as a disease-causing mutation. The variant is found in LQT panel(s).

NM_000238.4(KCNH2):c.1918T>C (p.Phe640Leu)

Gene: KCNH2 (potassium voltage-gated channel subfamily H member 2; minus strand). Cytogenetic location: 7q36.1.
Variant type: single nucleotide variant.
Coding change: c.1918T>C on transcript NM_000238.4 (MANE Select); coding-DNA position 1918, T replaced by C.
Protein change: p.Phe640Leu; replaces phenylalanine 640 with leucine.
Molecular consequence: missense variant.
Genome position (GRCh38, 1-based): chr7:150,951,475, A>G on the plus strand (T>C on the coding strand, the complement: KCNH2 is on the minus strand). VCF-style: chr7-150951475-A-G. GRCh37 (hg19) VCF-style: chr7-150648563-A-G.
Other names: p.F640L:TTC>CTC; c.898T>C, p.Phe300Leu (NM_001204798.2, NM_172057.3); c.1630T>C, p.Phe544Leu (NM_001406753.1, NM_001406756.1); c.1741T>C, p.Phe581Leu (NM_001406755.1); c.1618T>C, p.Phe540Leu (NM_001406757.1); c.1918T>C, p.Phe640Leu (NM_172056.3); short protein forms F300L, F640L, F544L, F581L, F540L.
Identifiers: ClinVar variation 200751 (VCV000200751.4), dbSNP rs199473529, ClinGen allele CA006010.
Genomic context (GRCh38, chr7:150,951,475, plus strand): 5'-CTCTCCCCGCCGCCCGCCCCTGGGCACACTCACAGCCAATGAGCATGACGCAGATGGAGA[A>G]GATCTTCTCTGAGTTGGTGTTGGGAGAGACGTTGCCGAAGCCCACACTGGTGAGGCTGCT-3'
Protein context (NP_000229.1, residues 630-650): VSPNTNSEKI[Phe640Leu]SICVMLIGSL